The following is an entry in ClinVar:

ClinVar aggregate classification (germline): Conflicting classifications of pathogenicity. Review status: criteria provided, conflicting classifications (1 of 4 stars). 3 submissions from 3 submitters: Uncertain significance (2); Likely benign (1). Last evaluated 2025-12-22.

Conditions:
Tuberous sclerosis 2 (TSC2). Identifiers: Orphanet 805, MedGen C1860707, MONDO:0013199, OMIM 613254.
Isolated focal cortical dysplasia type II (FCORD2). Also called: Focal cortical dysplasia type II; CORTICAL DYSPLASIA OF TAYLOR. Identifiers: Orphanet 268994, MedGen C1846385, MONDO:0011818, OMIM 607341, HP:0032051.
Lymphangiomyomatosis (LAM). Also called: Lymphangioleiomyomatosis, somatic; Lymphangioleiomyomatosis. Identifiers: Orphanet 538, MedGen C0751674, MONDO:0011705, OMIM 606690.

Allele frequency attached by ClinVar (database versions not stated): TOPMed 0.00001.

Submissions (4):

Labcorp Genetics (formerly Invitae), Labcorp
Classification: Likely benign for Tuberous sclerosis 2. Last evaluated: 2025-12-22. Review status: criteria provided, single submitter. Criteria: Invitae Variant Classification Sherloc (09022015). Collection method: clinical testing. Allele origin: germline.

Fulgent Genetics
Classification: Uncertain significance for Lymphangiomyomatosis; Isolated focal cortical dysplasia type II; Tuberous sclerosis 2. Last evaluated: 2024-02-12. Review status: criteria provided, single submitter. Criteria: ACMG Guidelines, 2015. Collection method: clinical testing. Allele origin: germline.

GeneDx
Classification: Uncertain significance. Last evaluated: 2018-05-18. Review status: criteria provided, single submitter. Criteria: GeneDx Variant Classification (06012015). Collection method: clinical testing. Allele origin: germline. Affected: yes.
Comment: A variant of uncertain significance has been identified in the TSC2 gene. The c.2966+15 G>A variant has not been published as a pathogenic variant, nor has it been reported as a benign variant to our knowledge. The c.2966+15 G>A variant is observed in 1/17232 (0.01%) alleles from individuals of East Asian background, in large population cohorts (Lek et al., 2016). Several in-silico splice prediction models predict that c.2966+15 G>A creates a cryptic donor site which may supplant the natural donor site and lead to abnormal gene splicing. However, in the absence of RNA/functional studies, the actual effect of this sequence change in this individual is unknown. Therefore, based on the currently available information, it is unclear whether this variant is a pathogenic variant or a rare benign variant.

Dr. Peter K. Rogan Lab, Western University
No classification provided (evidence only). Condition: Cervical cancer. Review status: no classification provided. Collection method: in vitro. Allele origin: not applicable. Functional consequence: retained intron. Not counted in ClinVar's aggregate classification.

NM_000548.5(TSC2):c.2966+15G>A

Gene: TSC2 (TSC complex subunit 2; plus strand). Cytogenetic location: 16p13.3.
Variant type: single nucleotide variant.
Coding change: c.2966+15G>A on transcript NM_000548.5 (MANE Select); 15 bases into the intron after coding-DNA position 2966, G replaced by A.
Molecular consequence: intron variant.
Genome position (GRCh38, 1-based): chr16:2,077,741, G>A. VCF-style: chr16-2077741-G-A. GRCh37 (hg19) VCF-style: chr16-2127742-G-A.
Other names: c.2966+15G>A (NM_001114382.3); c.2837+1156G>A (NM_021055.3, NM_001370405.1, NM_001363528.2 and 2 more transcripts); c.2726+1156G>A (NM_001318827.2); c.2237+1156G>A (NM_001318831.2); c.2690+1156G>A (NM_001318829.2); c.2870+1156G>A (NM_001318832.2).
Identifiers: ClinVar variation 453030 (VCV000453030.11), dbSNP rs779884344, ClinGen allele CA620377275.